The following is an entry in ClinVar:

ClinVar aggregate classification (germline): Uncertain significance (1 of 4 stars; one submission).

Conditions:
Inborn genetic diseases. Identifiers: MedGen C0950123, MeSH D030342.

gnomAD v4.1: 1 of 1,613,850 alleles (0.000062%); no homozygotes.

Submission:

Ambry Genetics
Classification: Uncertain significance for Inborn genetic diseases. Last evaluated: 2021-12-10. Review status: criteria provided, single submitter. Criteria: Ambry Variant Classification Scheme 2023. Collection method: clinical testing. Allele origin: germline.
Comment: The p.S727Y variant (also known as c.2180C>A), located in coding exon 10 of the ATR gene, results from a C to A substitution at nucleotide position 2180. The serine at codon 727 is replaced by tyrosine, an amino acid with dissimilar properties. This amino acid position is conserved. In addition, this alteration is predicted to be tolerated by in silico analysis. Since supporting evidence is limited at this time, the clinical significance of this alteration remains unclear.

NM_001184.4(ATR):c.2180C>A (p.Ser727Tyr)

Gene: ATR (ATR checkpoint kinase; minus strand). Cytogenetic location: 3q23.
Variant type: single nucleotide variant.
Coding change: c.2180C>A on transcript NM_001184.4 (MANE Select); coding-DNA position 2180, C replaced by A.
Protein change: p.Ser727Tyr; replaces serine 727 with tyrosine.
Molecular consequence: missense variant.
Genome position (GRCh38, 1-based): chr3:142,556,038, G>T on the plus strand (C>A on the coding strand, the complement: ATR is on the minus strand). VCF-style: chr3-142556038-G-T. GRCh37 (hg19) VCF-style: chr3-142274880-G-T.
Other names: c.1988C>A, p.Ser663Tyr (NM_001354579.2); short protein forms S727Y, S663Y.
Identifiers: ClinVar variation 1787259 (VCV001787259.2), dbSNP rs372610600, ClinGen allele CA2650411.